The following is an entry in ClinVar:

NM_000152.5(GAA):c.859-2A>G

Gene: GAA (alpha glucosidase; plus strand). Cytogenetic location: 17q25.3.
Variant type: single nucleotide variant.
Coding change: c.859-2A>G on transcript NM_000152.5 (MANE Select); the canonical splice acceptor site of the intron before coding-DNA position 859, A replaced by G.
Molecular consequence: splice acceptor variant.
Genome position (GRCh38, 1-based): chr17:80,107,798, A>G. VCF-style: chr17-80107798-A-G. GRCh37 (hg19) VCF-style: chr17-78081597-A-G.
Other names: c.859-2A>G (NM_001406741.1, NM_001406742.1, NM_001079803.3 and 1 more transcripts).
Identifiers: ClinVar variation 1485821 (VCV001485821.7), dbSNP rs2143848897, ClinGen allele CA401363787.

ClinVar aggregate classification (germline): Pathogenic/Likely pathogenic. Review status: criteria provided, multiple submitters, no conflicts (2 of 4 stars). 2 submissions from 2 submitters: Pathogenic (1); Likely pathogenic (1). Last evaluated 2021-11-17.

Conditions:
Glycogen storage disease, type II (IOPD). Also called: POMPE DISEASE, INFANTILE-ONSET; GLYCOGEN STORAGE DISEASE II, INFANTILE-ONSET; ACID ALPHA-GLUCOSIDASE DEFICIENCY, INFANTILE-ONSET; GAA DEFICIENCY, INFANTILE-ONSET; ACID MALTASE DEFICIENCY, INFANTILE-ONSET; GLYCOGENOSIS, GENERALIZED, CARDIAC FORM. Identifiers: Orphanet 365, MedGen C0017921, MONDO:0009290, OMIM 232300.

Submissions (2):

Baylor Genetics
Classification: Pathogenic for Glycogen storage disease, type II. Last evaluated: 2021-11-17. Review status: criteria provided, single submitter. Criteria: ACMG Guidelines, 2015. Collection method: clinical testing. Allele origin: unknown.

Labcorp Genetics (formerly Invitae), Labcorp
Classification: Likely pathogenic for Glycogen storage disease, type II. Last evaluated: 2021-06-30. Review status: criteria provided, single submitter. Criteria: Invitae Variant Classification Sherloc (09022015). Collection method: clinical testing. Allele origin: germline.
Comment: This sequence change affects an acceptor splice site in intron 4 of the GAA gene. RNA analysis indicates that this variant induces altered splicing and may result in an absent or disrupted protein product. This variant is not present in population databases (ExAC no frequency). Disruption of this splice site has been observed in individual(s) with Pompe disease (PMID: 24269976). Studies have shown that disruption of this splice site results in retention of intron 4, which introduces a premature termination codon (PMID: 24269976). The resulting mRNA is expected to undergo nonsense-mediated decay. In summary, the currently available evidence indicates that the variant is pathogenic, but additional data are needed to prove that conclusively. Therefore, this variant has been classified as Likely Pathogenic.

Literature cited by the submitters: PubMed 24269976 (cited by Labcorp Genetics (formerly Invitae), Labcorp).